The following is an entry in ClinVar:

ClinVar aggregate classification (germline): Uncertain significance (1 of 4 stars; one submission).

Allele frequency attached by ClinVar (database versions not stated): gnomAD exomes below 0.00001.

Submission:

GeneDx
Classification: Uncertain significance. Last evaluated: 2023-02-03. Review status: criteria provided, single submitter. Criteria: GeneDx Variant Classification Process June 2021. Collection method: clinical testing. Allele origin: germline. Affected: yes.
Comment: Not observed at significant frequency in large population cohorts (gnomAD); In silico analysis supports that this missense variant has a deleterious effect on protein structure/function; Located outside the known hotspot regions, in the 1B region of the central rod domain; Has not been previously published as pathogenic or benign to our knowledge

NM_006121.4(KRT1):c.790G>C (p.Glu264Gln)

Gene: KRT1 (keratin 1; minus strand). Cytogenetic location: 12q13.13.
Variant type: single nucleotide variant.
Coding change: c.790G>C on transcript NM_006121.4 (MANE Select); coding-DNA position 790, G replaced by C.
Protein change: p.Glu264Gln; replaces glutamic acid 264 with glutamine.
Molecular consequence: missense variant.
Genome position (GRCh38, 1-based): chr12:52,678,558, C>G on the plus strand (G>C on the coding strand, the complement: KRT1 is on the minus strand). VCF-style: chr12-52678558-C-G. GRCh37 (hg19) VCF-style: chr12-53072342-C-G.
Other names: short protein forms E264Q.
Identifiers: ClinVar variation 2579544 (VCV002579544.1), dbSNP rs2498635809, ClinGen allele CA384970576.